The following is an entry in ClinVar:

NM_001046.3(SLC12A2):c.200G>A (p.Gly67Glu)

Genes: SLC12A2 (solute carrier family 12 member 2; plus strand), LOC129994526 (ATAC-STARR-seq lymphoblastoid silent region 16295; plus strand). Cytogenetic location: 5q23.3.
Variant type: single nucleotide variant.
Coding change: c.200G>A on transcript NM_001046.3 (MANE Select); coding-DNA position 200, G replaced by A.
Protein change: p.Gly67Glu; replaces glycine 67 with glutamic acid.
Molecular consequence: missense variant. On other transcripts: non-coding transcript variant (1).
Genome position (GRCh38, 1-based): chr5:128,084,154, G>A. VCF-style: chr5-128084154-G-A. GRCh37 (hg19) VCF-style: chr5-127419846-G-A.
Other names: c.200G>A, p.Gly67Glu (NM_001256461.2); short protein forms G67E.
Identifiers: ClinVar variation 1942563 (VCV001942563.5), dbSNP rs913007209, ClinGen allele CA126980267.

ClinVar aggregate classification (germline): Uncertain significance (1 of 4 stars; one submission).

Allele frequency attached by ClinVar (database versions not stated): gnomAD exomes below 0.00001; TOPMed 0.00006; gnomAD 0.00007.
gnomAD v4.1: 14 of 1,298,940 alleles (0.0011%); highest among the groups gnomAD compares: African/African-American, 0.022%; no homozygotes.

Submission:

Labcorp Genetics (formerly Invitae), Labcorp
Classification: Uncertain significance. Last evaluated: 2024-10-03. Review status: criteria provided, single submitter. Criteria: Invitae Variant Classification Sherloc (09022015). Collection method: clinical testing. Allele origin: germline.
Comment: This sequence change replaces glycine, which is neutral and non-polar, with glutamic acid, which is acidic and polar, at codon 67 of the SLC12A2 protein (p.Gly67Glu). This variant is present in population databases (no rsID available, gnomAD 0.01%). This variant has not been reported in the literature in individuals affected with SLC12A2-related conditions. ClinVar contains an entry for this variant (Variation ID: 1942563). Invitae Evidence Modeling of protein sequence and biophysical properties (such as structural, functional, and spatial information, amino acid conservation, physicochemical variation, residue mobility, and thermodynamic stability) indicates that this missense variant is not expected to disrupt SLC12A2 protein function with a negative predictive value of 95%. In summary, the available evidence is currently insufficient to determine the role of this variant in disease. Therefore, it has been classified as a Variant of Uncertain Significance.